The following is an entry in ClinVar:

NM_153704.6(TMEM67):c.242_245del (p.Leu81fs)

Gene: TMEM67 (transmembrane protein 67; plus strand). Cytogenetic location: 8q22.1.
Variant type: Deletion.
Coding change: c.242_245del on transcript NM_153704.6 (MANE Select); coding-DNA positions 242 to 245, 4 bases deleted (TACC; older notation c.242_245delTACC).
Protein change: p.Leu81fs; shifts the reading frame from leucine 81.
Molecular consequence: frameshift variant. On other transcripts: non-coding transcript variant (1), intron variant (1).
Genome position (GRCh38, 1-based): chr8:93,755,796-93,755,799, TACC deleted; deleting any 4 consecutive bases within chr8:93,755,795-93,755,799 gives the same sequence; the c. name uses the placement nearest the transcript's 3' end. VCF-style (leftmost placement, unchanged base first): chr8-93755794-TCTAC-T. GRCh37 (hg19) VCF-style: chr8-94768022-TCTAC-T.
Other names: c.-62+659_-62+662del (NM_001142301.1); short protein forms L81fs.
Identifiers: ClinVar variation 2126687 (VCV002126687.4), dbSNP rs2536756606, ClinGen allele CA2580079054.

ClinVar aggregate classification (germline): Pathogenic (1 of 4 stars; one submission).

Conditions:
Joubert syndrome. Also called: CEREBELLOPARENCHYMAL DISORDER IV; JOUBERT-BOLTSHAUSER SYNDROME; Familial aplasia of the vermis. Identifiers: Orphanet 475, MedGen C5979921, MONDO:0018772.
Meckel-Gruber syndrome. Also called: DYSENCEPHALIA SPLANCHNOCYSTICA; GRUBER SYNDROME; Dysencephalia splachnocystica. Identifiers: Orphanet 564, MedGen C0265215, MONDO:0018921.

Submission:

Labcorp Genetics (formerly Invitae), Labcorp
Classification: Pathogenic for Joubert syndrome; Meckel-Gruber syndrome. Last evaluated: 2022-04-16. Review status: criteria provided, single submitter. Criteria: Invitae Variant Classification Sherloc (09022015). Collection method: clinical testing. Allele origin: germline.
Comment: For these reasons, this variant has been classified as Pathogenic. This variant has not been reported in the literature in individuals affected with TMEM67-related conditions. This variant is not present in population databases (gnomAD no frequency). This sequence change creates a premature translational stop signal (p.Leu81Glnfs*5) in the TMEM67 gene. It is expected to result in an absent or disrupted protein product. Loss-of-function variants in TMEM67 are known to be pathogenic (PMID: 20232449, 23559409).

Literature cited by the submitters: PubMed 20232449; PubMed 23559409.